The following is an entry in ClinVar:

ClinVar aggregate classification (germline): Pathogenic (1 of 4 stars; one submission).

Conditions:
Rubinstein-Taybi syndrome (RSTS). Identifiers: Orphanet 783, MedGen C0035934, MONDO:0019188.

Submission:

Labcorp Genetics (formerly Invitae), Labcorp
Classification: Pathogenic for Rubinstein-Taybi syndrome. Last evaluated: 2023-06-13. Review status: criteria provided, single submitter. Criteria: Invitae Variant Classification Sherloc (09022015). Collection method: clinical testing. Allele origin: germline.
Comment: For these reasons, this variant has been classified as Pathogenic. This variant has not been reported in the literature in individuals affected with CREBBP-related conditions. This variant is a gross deletion of the genomic region encompassing exon(s) 4-5 of the CREBBP gene. This deletion is out-of-frame, and is expected to create a premature termination codon and result in an absent or disrupted protein product. Loss-of-function variants in CREBBP are known to be pathogenic (PMID: 17052327, 18792986).

Literature cited by the submitters: PubMed 17052327; PubMed 18792986.

NC_000016.9:g.(?_3841962)_(3843647_?)del

Gene: CREBBP (CREB binding lysine acetyltransferase; minus strand). Cytogenetic location: 16p13.3.
Variant type: Deletion.
Identifiers: ClinVar variation 1455967 (VCV001455967.5).